The following is an entry in ClinVar:

ClinVar aggregate classification (germline): Uncertain significance (1 of 4 stars; one submission).

Conditions:
Arrhythmogenic right ventricular dysplasia 11. Also called: ARRHYTHMOGENIC RIGHT VENTRICULAR DYSPLASIA, FAMILIAL, 11; Arrhythmogenic Right Ventricular Dysplasia/Cardiomyopathy11; Arrhythmogenic right ventricular dysplasia 11 with mild palmoplantar keratoderma and woolly hair. Identifiers: MedGen C1864850, MONDO:0012506, OMIM 610476.

Submission:

Labcorp Genetics (formerly Invitae), Labcorp
Classification: Uncertain significance for Arrhythmogenic right ventricular dysplasia 11. Last evaluated: 2019-04-02. Review status: criteria provided, single submitter. Criteria: Invitae Variant Classification Sherloc (09022015). Collection method: clinical testing. Allele origin: germline.
Comment: In summary, the available evidence is currently insufficient to determine the role of this variant in disease. Therefore, it has been classified as a Variant of Uncertain Significance. Experimental studies and prediction algorithms are not available for this variant, and the functional significance of the affected amino acid(s) is currently unknown. This variant has not been reported in the literature in individuals with DSC2-related conditions. This variant is not present in population databases (ExAC no frequency). This variant, c.1341_1355del, results in the deletion of 5 amino acid(s) of the DSC2 protein (p.Ser448_Ala452del), but otherwise preserves the integrity of the reading frame.

NM_024422.6(DSC2):c.1341_1355del (p.Ser448_Ala452del)

Gene: DSC2 (desmocollin 2; minus strand). Cytogenetic location: 18q12.1.
Variant type: Deletion.
Coding change: c.1341_1355del on transcript NM_024422.6 (MANE Select); coding-DNA positions 1341 to 1355, 15 bases deleted (TAGTCCAAGATCAGC).
Protein change: p.Ser448_Ala452del.
Molecular consequence: inframe deletion.
Genome position (GRCh38, 1-based): chr18:31,080,261-31,080,275, GCTGATCTTGGACTA deleted on the plus strand (TAGTCCAAGATCAGC on the coding strand, the reverse complement: DSC2 is on the minus strand); deleting any 15 consecutive bases within chr18:31,080,261-31,080,277 gives the same sequence; the c. name uses the placement nearest the transcript's 3' end. VCF-style (leftmost placement, unchanged base first): chr18-31080260-GGCTGATCTTGGACTA-G. GRCh37 (hg19) VCF-style: chr18-28660226-GGCTGATCTTGGACTA-G.
Other names: c.1341_1355del, p.Ser448_Ala452del (NM_004949.5).
Identifiers: ClinVar variation 847626 (VCV000847626.9), dbSNP rs1301674152, ClinGen allele CA778399911.